The following is an entry in ClinVar:

NM_005228.5(EGFR):c.1934C>T (p.Ser645Phe)

Gene: EGFR (epidermal growth factor receptor; plus strand). Cytogenetic location: 7p11.2.
Variant type: single nucleotide variant.
Coding change: c.1934C>T on transcript NM_005228.5 (MANE Select); coding-DNA position 1934, C replaced by T.
Protein change: p.Ser645Phe; replaces serine 645 with phenylalanine.
Molecular consequence: missense variant.
Genome position (GRCh38, 1-based): chr7:55,172,997, C>T. VCF-style: chr7-55172997-C-T. GRCh37 (hg19) VCF-style: chr7-55240690-C-T.
Other names: c.1799C>T, p.Ser600Phe (NM_001346897.2, NM_001346899.2); c.1934C>T, p.Ser645Phe (NM_001346898.2); c.1775C>T, p.Ser592Phe (NM_001346900.2); c.1133C>T, p.Ser378Phe (NM_001346941.2); short protein forms S600F, S645F, S378F, S592F.
Identifiers: ClinVar variation 2860742 (VCV002860742.3), dbSNP rs772046081, ClinGen allele CA367582885.
Genomic context (GRCh38, chr7:55,172,997, plus strand): 5'-ATCTGTCAGCAACCTCACCCTTCCTTGTTCCTCCACCTCATTCCAGGCCTAAGATCCCGT[C>T]CATCGCCACTGGGATGGTGGGGGCCCTCCTCTTGCTGCTGGTGGTGGCCCTGGGGATCGG-3'
Protein context (NP_005219.2, residues 635-655): GCPTNGPKIP[Ser645Phe]IATGMVGALL

ClinVar aggregate classification (germline): Uncertain significance (1 of 4 stars; one submission).

Conditions:
EGFR-related lung cancer (EGFR). Identifiers: MedGen CN130014.

Allele frequency attached by ClinVar (database versions not stated): gnomAD exomes below 0.00001.
gnomAD v4.1: 2 of 1,614,208 alleles (0.00012%); highest among the groups gnomAD compares: Non-Finnish European, 0.00017%; no homozygotes.

Submission:

Labcorp Genetics (formerly Invitae), Labcorp
Classification: Uncertain significance for EGFR-related lung cancer. Last evaluated: 2023-04-30. Review status: criteria provided, single submitter. Criteria: Invitae Variant Classification Sherloc (09022015). Collection method: clinical testing. Allele origin: germline.
Comment: In summary, the available evidence is currently insufficient to determine the role of this variant in disease. Therefore, it has been classified as a Variant of Uncertain Significance. Advanced modeling of protein sequence and biophysical properties (such as structural, functional, and spatial information, amino acid conservation, physicochemical variation, residue mobility, and thermodynamic stability) performed at Invitae indicates that this missense variant is not expected to disrupt EGFR protein function. This variant has not been reported in the literature in individuals affected with EGFR-related conditions. This variant is not present in population databases (gnomAD no frequency). This sequence change replaces serine, which is neutral and polar, with phenylalanine, which is neutral and non-polar, at codon 645 of the EGFR protein (p.Ser645Phe).